The following is an entry in ClinVar:

ClinVar aggregate classification (germline): Likely pathogenic. Review status: criteria provided, single submitter (1 of 4 stars). 2 submissions from 2 submitters: Likely pathogenic (1). 1 of the submissions does not count toward it. Last evaluated 2025-12-30.

Conditions:
Alstrom syndrome (ALMS). Identifiers: Orphanet 64, MedGen C0268425, MONDO:0008763, OMIM 203800.

Submissions (2):

Natera, Inc.
Classification: Likely pathogenic for Alstrom syndrome. Last evaluated: 2025-12-30. Review status: criteria provided, single submitter. Criteria: Natera Variant Classification Schema (03/2026). Collection method: clinical testing. Allele origin: germline.
Comment: The c.191_192delAGinsC variant in ALMS1 is a frameshift variant predicted to shift the reading frame beginning at codon 64 and leads to a stop codon 6 codons downstream. This variant is expected to result in nonsense mediated decay, truncation, or a dysfunctional protein product. This variant is rare in the general population with a frequency below the threshold expected for the associated phenotype(s). Given the available evidence, this variant is classified as Likely Pathogenic.

Counsyl
Classification: Likely pathogenic for Alstrom syndrome. Last evaluated: 2018-05-01. Review status: no assertion criteria provided. Collection method: clinical testing. Allele origin: unknown. Not counted in ClinVar's aggregate classification.

NM_001378454.1(ALMS1):c.188_189delinsC (p.Gln63fs)

Gene: ALMS1 (ALMS1 centrosome and basal body associated protein; plus strand). Cytogenetic location: 2p13.1.
Variant type: Indel.
Coding change: c.188_189delinsC on transcript NM_001378454.1 (MANE Select); coding-DNA positions 188 to 189, AG replaced by C.
Protein change: p.Gln63fs; shifts the reading frame from glutamine 63.
Molecular consequence: frameshift variant.
Genome position (GRCh38, 1-based): chr2:73,386,056-73,386,057, AG replaced by C. VCF-style: chr2-73386056-AG-C. GRCh37 (hg19) VCF-style: chr2-73613184-AG-C.
Other names: c.191_192delinsC, p.Gln64fs (NM_015120.4); c.191_192delAGinsC (NM_015120.4); short protein forms Q64fs, Q63fs.
Identifiers: ClinVar variation 558126 (VCV000558126.4), dbSNP rs1553396238, ClinGen allele CA658822803.
Genomic context (GRCh38, chr2:73,386,056, plus strand): 5'-TGGAGGAGGTGGAGGAAGAGGCGGGGCGGGAGTTGGACTCCGACTCTCACTACGGGCCCC[AG>C]CATCTGGAAAGTATAGACGACGAGGAGGACGAGGAGGCCAAGGCCTGGCTGCAGGCGCAC-3'